The following is an entry in ClinVar:

NM_014920.5(CILK1):c.337C>T (p.Leu113Phe)

Gene: CILK1 (ciliogenesis associated kinase 1; minus strand). Cytogenetic location: 6p12.1.
Variant type: single nucleotide variant.
Coding change: c.337C>T on transcript NM_014920.5 (MANE Select); coding-DNA position 337, C replaced by T.
Protein change: p.Leu113Phe; replaces leucine 113 with phenylalanine.
Molecular consequence: missense variant. On other transcripts: non-coding transcript variant (1).
Genome position (GRCh38, 1-based): chr6:53,031,086, G>A on the plus strand (C>T on the coding strand, the complement: CILK1 is on the minus strand). VCF-style: chr6-53031086-G-A. GRCh37 (hg19) VCF-style: chr6-52895884-G-A.
Other names: c.337C>T, p.Leu113Phe (NM_001375397.1, NM_001375398.1, NM_001375399.1 and 4 more transcripts); short protein forms L113F.
Identifiers: ClinVar variation 3145007 (VCV003145007.1), dbSNP rs2533335670, ClinGen allele CA364474533.

ClinVar aggregate classification (germline): Uncertain significance (1 of 4 stars; one submission).

Submission:

Ambry Genetics
Classification: Uncertain significance. Last evaluated: 2021-03-16. Review status: criteria provided, single submitter. Criteria: Ambry Variant Classification Scheme 2023. Collection method: clinical testing. Allele origin: germline.
Comment: The c.337C>T (p.L113F) alteration is located in exon 6 (coding exon 4) of the ICK gene. This alteration results from a C to T substitution at nucleotide position 337, causing the leucine (L) at amino acid position 113 to be replaced by a phenylalanine (F). The in silico prediction for the p.L113F alteration is inconclusive. Based on insufficient or conflicting evidence, the clinical significance of this alteration remains unclear.